The following is an entry in ClinVar:

NM_032830.3(UTP4):c.872G>A (p.Arg291His)

Gene: UTP4 (UTP4 small subunit processome component). Cytogenetic location: 16q22.1.
Variant type: single nucleotide variant.
Coding change: c.872G>A on transcript NM_032830.3 (MANE Select); coding-DNA position 872, G replaced by A.
Protein change: p.Arg291His; replaces arginine 291 with histidine.
Molecular consequence: missense variant.
Genome position (GRCh38, 1-based): chr16:69,150,670, G>A. VCF-style: chr16-69150670-G-A. GRCh37 (hg19) VCF-style: chr16-69184573-G-A.
Other names: c.623G>A, p.Arg208His (NM_001318391.2); short protein forms R291H, R208H.
Identifiers: ClinVar variation 888316 (VCV000888316.8), dbSNP rs760350216, ClinGen allele CA8132196.
Genomic context (GRCh38, chr16:69,150,670, plus strand): 5'-ACAGCAGTGAGAAGCAGTGGGTGCGGACAAAACCGTTCCAGCATCACACTCATGACGTGC[G>A]CACTGTGGCCCACAGCCCAACAGCGCTGATATCTGGAGGTGGGTTCCCCCTCTGGTGAGG-3'
Protein context (NP_116219.2, residues 281-301): KPFQHHTHDV[Arg291His]TVAHSPTALI

ClinVar aggregate classification (germline): Uncertain significance. Review status: criteria provided, multiple submitters, no conflicts (2 of 4 stars). 2 submissions from 2 submitters: Uncertain significance (2). Last evaluated 2024-11-01.

Conditions:
Hereditary North American Indian childhood cirrhosis. Identifiers: Orphanet 168583, MedGen C1858051, MONDO:0011497, OMIM 604901.

gnomAD v4.1: 27 of 1,614,094 alleles (0.0017%); highest among the groups gnomAD compares: African/African-American, 0.004%; no homozygotes.

Submissions (2):

Labcorp Genetics (formerly Invitae), Labcorp
Classification: Uncertain significance. Last evaluated: 2024-11-01. Review status: criteria provided, single submitter. Criteria: Invitae Variant Classification Sherloc (09022015). Collection method: clinical testing. Allele origin: germline.
Comment: This sequence change replaces arginine, which is basic and polar, with histidine, which is basic and polar, at codon 291 of the UTP4 protein (p.Arg291His). This variant is present in population databases (rs760350216, gnomAD 0.007%). This variant has not been reported in the literature in individuals affected with UTP4-related conditions. ClinVar contains an entry for this variant (Variation ID: 888316). Invitae Evidence Modeling of protein sequence and biophysical properties (such as structural, functional, and spatial information, amino acid conservation, physicochemical variation, residue mobility, and thermodynamic stability) indicates that this missense variant is expected to disrupt UTP4 protein function with a positive predictive value of 80%. In summary, the available evidence is currently insufficient to determine the role of this variant in disease. Therefore, it has been classified as a Variant of Uncertain Significance.

Illumina Laboratory Services, Illumina
Classification: Uncertain significance for Hereditary North American Indian childhood cirrhosis. Last evaluated: 2018-01-12. Review status: criteria provided, single submitter. Criteria: ICSL Variant Classification Criteria 13 December 2019. Collection method: clinical testing. Allele origin: germline.